The following is an entry in ClinVar:

NM_000393.5(COL5A2):c.491C>A (p.Pro164Gln)

Gene: COL5A2 (collagen type V alpha 2 chain; minus strand). Cytogenetic location: 2q32.2.
Variant type: single nucleotide variant.
Coding change: c.491C>A on transcript NM_000393.5 (MANE Select); coding-DNA position 491, C replaced by A.
Protein change: p.Pro164Gln; replaces proline 164 with glutamine.
Molecular consequence: missense variant.
Genome position (GRCh38, 1-based): chr2:189,092,386, G>T on the plus strand (C>A on the coding strand, the complement: COL5A2 is on the minus strand). VCF-style: chr2-189092386-G-T. GRCh37 (hg19) VCF-style: chr2-189957112-G-T.
Other names: c.491C>A (NM_000393.3); short protein forms P164Q.
Identifiers: ClinVar variation 1001717 (VCV001001717.11), dbSNP rs1288294024, ClinGen allele CA349861642.
Genomic context (GRCh38, chr2:189,092,386, plus strand): 5'-GGTCCTGGGTGGGACGGATGTCCAGGAGGTCCTGGAGCACCAGGTTGACCAGGAACACCT[G>T]GTTCTCCATCAATTCCCTGAGGTCCACGAGGGCCCTGGAAAACAAGCCAGTTAAAATTAG-3'
Protein context (NP_000384.2, residues 154-174): PRGPQGIDGE[Pro164Gln]GVPGQPGAPG

ClinVar aggregate classification (germline): Uncertain significance. Review status: criteria provided, multiple submitters, no conflicts (2 of 4 stars). 2 submissions from 2 submitters: Uncertain significance (2). Last evaluated 2026-01-04.

Conditions:
Ehlers-Danlos syndrome, classic type, 1 (EDSCL1). Also called: EHLERS-DANLOS SYNDROME, GRAVIS TYPE; EHLERS-DANLOS SYNDROME, SEVERE CLASSIC TYPE; EDS I; Ehlers-Danlos Syndrome, Classic Type, COL5A1-Related; Ehlers-Danlos syndrome, type 1. Identifiers: MedGen C0268335, MONDO:0019567, OMIM 130000.

Allele frequency attached by ClinVar (database versions not stated): gnomAD exomes 0.00001; gnomAD 0.00001; TOPMed 0.00001.
gnomAD v4.1: 16 of 1,606,476 alleles (0.001%); highest among the groups gnomAD compares: Non-Finnish European, 0.0011%; no homozygotes.

Submissions (2):

Labcorp Genetics (formerly Invitae), Labcorp
Classification: Uncertain significance for Ehlers-Danlos syndrome, classic type, 1. Last evaluated: 2026-01-04. Review status: criteria provided, single submitter. Criteria: Invitae Variant Classification Sherloc (09022015). Collection method: clinical testing. Allele origin: germline.
Comment: This sequence change replaces proline, which is neutral and non-polar, with glutamine, which is neutral and polar, at codon 164 of the COL5A2 protein (p.Pro164Gln). This variant is not present in population databases (gnomAD no frequency). This variant has not been reported in the literature in individuals affected with COL5A2-related conditions. ClinVar contains an entry for this variant (Variation ID: 1001717). Invitae Evidence Modeling of protein sequence and biophysical properties (such as structural, functional, and spatial information, amino acid conservation, physicochemical variation, residue mobility, and thermodynamic stability) indicates that this missense variant is not expected to disrupt COL5A2 protein function with a negative predictive value of 80%. In summary, the available evidence is currently insufficient to determine the role of this variant in disease. Therefore, it has been classified as a Variant of Uncertain Significance.

GeneDx
Classification: Uncertain significance. Last evaluated: 2024-03-17. Review status: criteria provided, single submitter. Criteria: GeneDx Variant Classification Process June 2021. Collection method: clinical testing. Allele origin: germline. Affected: yes.
Comment: Has not been previously published as pathogenic or benign to our knowledge; Not observed at significant frequency in large population cohorts (gnomAD); Not located in the triple helical region, where the majority of pathogenic missense variants occur (PMID: 22696272; HGMD); In silico analysis supports that this missense variant has a deleterious effect on protein structure/function; This variant is associated with the following publications: (PMID: 22696272)